The following is an entry in ClinVar:

NM_003560.4(PLA2G6):c.1028C>T (p.Ala343Val)

Gene: PLA2G6 (phospholipase A2 group VI; minus strand). Cytogenetic location: 22q13.1.
Variant type: single nucleotide variant.
Coding change: c.1028C>T on transcript NM_003560.4 (MANE Select); coding-DNA position 1028, C replaced by T.
Protein change: p.Ala343Val; replaces alanine 343 with valine.
Molecular consequence: missense variant.
Genome position (GRCh38, 1-based): chr22:38,132,880, G>A on the plus strand (C>T on the coding strand, the complement: PLA2G6 is on the minus strand). VCF-style: chr22-38132880-G-A. GRCh37 (hg19) VCF-style: chr22-38528887-G-A.
Other names: c.1028C>T, p.Ala343Val (NM_001004426.3, NM_001199562.3, NM_001349864.2 and 2 more transcripts); c.494C>T, p.Ala165Val (NM_001349867.2, NM_001349869.2); c.350C>T, p.Ala117Val (NM_001349868.2); short protein forms A165V, A117V, A343V.
Identifiers: ClinVar variation 2150544 (VCV002150544.2), dbSNP rs1162944680, ClinGen allele CA411530709.

ClinVar aggregate classification (germline): Uncertain significance. Review status: criteria provided, multiple submitters, no conflicts (2 of 4 stars). 2 submissions from 2 submitters: Uncertain significance (2). Last evaluated 2024-10-01.

Conditions:
Parkinson disease (PD). Identifiers: MedGen C0030567, MeSH D010300, MONDO:0005180.
Vascular parkinsonism. Identifiers: MedGen C0393568, MONDO:0956980.
Parkinsonian disorder. Also called: Parkinsonism. Identifiers: MedGen C0242422, MONDO:0021095, HP:0001300.
Infantile neuroaxonal dystrophy (NBIA2A). Also called: Infantile neuroaxonal dystrophy 1; NEURODEGENERATION WITH BRAIN IRON ACCUMULATION 2A; SEITELBERGER DISEASE. Identifiers: Orphanet 35069, MedGen C0270724, MONDO:0024457, OMIM 256600.

Allele frequency attached by ClinVar (database versions not stated): gnomAD 0.00002.
gnomAD v4.1: 19 of 1,553,866 alleles (0.0012%); highest among the groups gnomAD compares: East Asian, 0.012%; no homozygotes.

Submissions (2):

The Egyptian Network for Neurodegenerative Diseases (ENND), The American University in Cairo
Classification: Uncertain significance for Vascular parkinsonism; Parkinsonian disorder; Parkinson disease. Last evaluated: 2024-10-01. Review status: criteria provided, single submitter. Criteria: ACMG Guidelines, 2015. Collection method: research. Allele origin: germline. Affected: yes.
Comment: This rare variant (MAF ./0.00003232 in 1000Genomes/GnomAD) falls within Ankyrin repeat-containing domain. No available functional characterization but nearest amino acid substituition 2 amino acids away A341T causes PLA2G6-associated neurodegeneration (PLAN) and a complete loss of phospholipase and lysophospholipase activities. Heterozygous p.Ser258Leu, also within ANK repeat domain, is reported in late-onset parkinsonism. We observed the same amino acid substituted in 3/5 vascular parkinsonism patients; via 2 different variants. While PLA2G6 parkinsonism cases are mostly bi-allelic, several cases of mono-allelic variant carriers -of other PLA2G6 variants- have been reported in atypical parkinsonism (PMID:34307755;30042723). CAD score is 20.8.

Labcorp Genetics (formerly Invitae), Labcorp
Classification: Uncertain significance for Infantile neuroaxonal dystrophy. Last evaluated: 2022-03-20. Review status: criteria provided, single submitter. Criteria: Invitae Variant Classification Sherloc (09022015). Collection method: clinical testing. Allele origin: germline.
Comment: This sequence change replaces alanine, which is neutral and non-polar, with valine, which is neutral and non-polar, at codon 343 of the PLA2G6 protein (p.Ala343Val). The frequency data for this variant in the population databases is considered unreliable, as metrics indicate poor data quality at this position in the gnomAD database. This variant has not been reported in the literature in individuals affected with PLA2G6-related conditions. Algorithms developed to predict the effect of missense changes on protein structure and function (SIFT, PolyPhen-2, Align-GVGD) all suggest that this variant is likely to be tolerated. In summary, the available evidence is currently insufficient to determine the role of this variant in disease. Therefore, it has been classified as a Variant of Uncertain Significance.

Literature cited by the submitters: PubMed 40786864 (cited by The Egyptian Network for Neurodegenerative Diseases (ENND), The American University in Cairo); PubMed 34307755 (cited by The Egyptian Network for Neurodegenerative Diseases (ENND), The American University in Cairo); PubMed 30042723 (cited by The Egyptian Network for Neurodegenerative Diseases (ENND), The American University in Cairo).